The following is an entry in ClinVar:

ClinVar aggregate classification (germline): Uncertain significance. Review status: criteria provided, multiple submitters, no conflicts (2 of 4 stars). 2 submissions from 2 submitters: Uncertain significance (2). Last evaluated 2023-09-23.

Conditions:
Inborn genetic diseases. Identifiers: MedGen C0950123, MeSH D030342.

Allele frequency attached by ClinVar (database versions not stated): ExAC 0.00001; gnomAD exomes 0.00001; gnomAD 0.00002 and 0.00003; ESP Exome Variant Server 0.00008; TOPMed 0.00008.

Submissions (2):

Ambry Genetics
Classification: Uncertain significance for Inborn genetic diseases. Last evaluated: 2023-09-23. Review status: criteria provided, single submitter. Criteria: Ambry Variant Classification Scheme 2023. Collection method: clinical testing. Allele origin: germline.

Labcorp Genetics (formerly Invitae), Labcorp
Classification: Uncertain significance. Last evaluated: 2021-09-24. Review status: criteria provided, single submitter. Criteria: Invitae Variant Classification Sherloc (09022015). Collection method: clinical testing. Allele origin: germline.
Comment: This sequence change replaces aspartic acid with asparagine at codon 59 of the SC5D protein (p.Asp59Asn). The aspartic acid residue is highly conserved and there is a small physicochemical difference between aspartic acid and asparagine. This variant is present in population databases (rs148156529, ExAC 0.009%). This variant has not been reported in the literature in individuals affected with SC5D-related conditions. Algorithms developed to predict the effect of missense changes on protein structure and function are either unavailable or do not agree on the potential impact of this missense change (SIFT: "Deleterious"; PolyPhen-2: "Possibly Damaging"; Align-GVGD: "Class C15"). In summary, the available evidence is currently insufficient to determine the role of this variant in disease. Therefore, it has been classified as a Variant of Uncertain Significance.

NM_006918.5(SC5D):c.175G>A (p.Asp59Asn)

Gene: SC5D (sterol-C5-desaturase; plus strand). Cytogenetic location: 11q24.1.
Variant type: single nucleotide variant.
Coding change: c.175G>A on transcript NM_006918.5 (MANE Select); coding-DNA position 175, G replaced by A.
Protein change: p.Asp59Asn; replaces aspartic acid 59 with asparagine.
Molecular consequence: missense variant.
Genome position (GRCh38, 1-based): chr11:121,303,550, G>A. VCF-style: chr11-121303550-G-A. GRCh37 (hg19) VCF-style: chr11-121174259-G-A.
Other names: c.175G>A, p.Asp59Asn (NM_001024956.3); c.175G>A (NM_006918.4); short protein forms D59N.
Identifiers: ClinVar variation 1420238 (VCV001420238.6), dbSNP rs148156529, ClinGen allele CA6328043.